The following is an entry in ClinVar:

NM_145059.3(FCSK):c.380T>C (p.Leu127Pro)

Gene: FCSK (fucose kinase; plus strand). Cytogenetic location: 16q22.1.
Variant type: single nucleotide variant.
Coding change: c.380T>C on transcript NM_145059.3 (MANE Select); coding-DNA position 380, T replaced by C.
Protein change: p.Leu127Pro; replaces leucine 127 with proline.
Molecular consequence: missense variant.
Genome position (GRCh38, 1-based): chr16:70,466,226, T>C. VCF-style: chr16-70466226-T-C. GRCh37 (hg19) VCF-style: chr16-70500129-T-C.
Other names: short protein forms L127P.
Identifiers: ClinVar variation 2084142 (VCV002084142.4), dbSNP rs745836357, ClinGen allele CA8142866.

ClinVar aggregate classification (germline): Uncertain significance (1 of 4 stars; one submission).

Allele frequency attached by ClinVar (database versions not stated): gnomAD exomes below 0.00001; ExAC 0.00001.
gnomAD v4.1: 5 of 1,613,954 alleles (0.00031%); highest among the groups gnomAD compares: Non-Finnish European, 0.00042%; no homozygotes.

Submission:

Labcorp Genetics (formerly Invitae), Labcorp
Classification: Uncertain significance. Last evaluated: 2022-09-04. Review status: criteria provided, single submitter. Criteria: Invitae Variant Classification Sherloc (09022015). Collection method: clinical testing. Allele origin: germline.
Comment: In summary, the available evidence is currently insufficient to determine the role of this variant in disease. Therefore, it has been classified as a Variant of Uncertain Significance. Algorithms developed to predict the effect of missense changes on protein structure and function are either unavailable or do not agree on the potential impact of this missense change (SIFT: "Deleterious"; PolyPhen-2: "Probably Damaging"; Align-GVGD: "Class C0"). This variant has not been reported in the literature in individuals affected with FUK-related conditions. This variant is present in population databases (rs745836357, gnomAD 0.002%). This sequence change replaces leucine, which is neutral and non-polar, with proline, which is neutral and non-polar, at codon 127 of the FUK protein (p.Leu127Pro).